The following is an entry in ClinVar:

ClinVar aggregate classification (germline): Uncertain significance (1 of 4 stars; one submission).

Submission:

GeneDx
Classification: Uncertain significance. Last evaluated: 2023-11-09. Review status: criteria provided, single submitter. Criteria: GeneDx Variant Classification Process June 2021. Collection method: clinical testing. Allele origin: germline. Affected: yes.
Comment: Not observed at significant frequency in large population cohorts (gnomAD); In silico analysis supports that this missense variant does not alter protein structure/function; Has not been previously published as pathogenic or benign to our knowledge

NM_020987.5(ANK3):c.10410G>T (p.Glu3470Asp)

Gene: ANK3 (ankyrin 3; minus strand). Cytogenetic location: 10q21.2.
Variant type: single nucleotide variant.
Coding change: c.10410G>T on transcript NM_020987.5 (MANE Select); coding-DNA position 10410, G replaced by T.
Protein change: p.Glu3470Asp; replaces glutamic acid 3470 with aspartic acid.
Molecular consequence: missense variant. On other transcripts: intron variant (4).
Genome position (GRCh38, 1-based): chr10:60,070,471, C>A on the plus strand (G>T on the coding strand, the complement: ANK3 is on the minus strand). VCF-style: chr10-60070471-C-A. GRCh37 (hg19) VCF-style: chr10-61830229-C-A.
Other names: c.4388-2462G>T (NM_001204403.2); c.4409-2462G>T (NM_001204404.2); c.4406-2462G>T (NM_001320874.2); c.1808-2462G>T (NM_001149.4); short protein forms E3470D.
Identifiers: ClinVar variation 3363987 (VCV003363987.1).